The following is an entry in ClinVar:

ClinVar aggregate classification (germline): Pathogenic. Review status: criteria provided, multiple submitters, no conflicts (2 of 4 stars). 4 submissions from 4 submitters: Pathogenic (4). Last evaluated 2024-01-22.

Conditions:
Kabuki syndrome. Also called: NIIKAWA-KUROKI SYNDROME; Kabuki make-up syndrome. Identifiers: Orphanet 2322, MedGen C0796004, MONDO:0016512.
Kabuki syndrome 1 (KABUK1). Also called: KMT2D-Related Kabuki Syndrome. Identifiers: Orphanet 2322, MedGen CN030661, MONDO:0007843, OMIM 147920.

Submissions (4):

Laboratoire de Génétique Moléculaire, CHU Bordeaux
Classification: Pathogenic for Kabuki syndrome 1. Last evaluated: 2024-01-22. Review status: criteria provided, single submitter. Criteria: ACMG Guidelines, 2015. Collection method: clinical testing. Allele origin: germline. Affected: yes.

GeneDx
Classification: Pathogenic. Last evaluated: 2023-10-20. Review status: criteria provided, single submitter. Criteria: GeneDx Variant Classification Process June 2021. Collection method: clinical testing. Allele origin: germline. Affected: yes.
Comment: Nonsense variant predicted to result in protein truncation or nonsense mediated decay in a gene for which loss of function is a known mechanism of disease; Not observed at significant frequency in large population cohorts (gnomAD); This variant is associated with the following publications: (PMID: 25525159, 27302555, 36130591, 21658225, 34232366)

Labcorp Genetics (formerly Invitae), Labcorp
Classification: Pathogenic for Kabuki syndrome. Last evaluated: 2022-02-06. Review status: criteria provided, single submitter. Criteria: Invitae Variant Classification Sherloc (09022015). Collection method: clinical testing. Allele origin: germline.
Comment: For these reasons, this variant has been classified as Pathogenic. ClinVar contains an entry for this variant (Variation ID: 196692). This premature translational stop signal has been observed in individual(s) with Kabuki syndrome (PMID: 21658225, 27302555). This variant is not present in population databases (gnomAD no frequency). This sequence change creates a premature translational stop signal (p.Arg2635*) in the KMT2D gene. It is expected to result in an absent or disrupted protein product. Loss-of-function variants in KMT2D are known to be pathogenic (PMID: 22126750).

Eurofins Ntd Llc (ga)
Classification: Pathogenic. Last evaluated: 2014-10-01. Review status: criteria provided, single submitter. Criteria: EGL Classification Definitions 2015. Collection method: clinical testing. Allele origin: germline. Observed: 1 variant allele, 1 heterozygote.

Literature cited by the submitters: PubMed 21658225 (cited by Labcorp Genetics (formerly Invitae), Labcorp and Eurofins Ntd Llc (ga)); PubMed 27302555 (cited by Labcorp Genetics (formerly Invitae), Labcorp); PubMed 22126750 (cited by Labcorp Genetics (formerly Invitae), Labcorp); PubMed 24633898 (cited by Eurofins Ntd Llc (ga)).

NM_003482.4(KMT2D):c.7903C>T (p.Arg2635Ter)

Gene: KMT2D (lysine methyltransferase 2D; minus strand). Cytogenetic location: 12q13.12.
Variant type: single nucleotide variant.
Coding change: c.7903C>T on transcript NM_003482.4 (MANE Select); coding-DNA position 7903, C replaced by T.
Protein change: p.Arg2635Ter; replaces arginine 2635 with a stop codon.
Molecular consequence: nonsense.
Genome position (GRCh38, 1-based): chr12:49,039,867, G>A on the plus strand (C>T on the coding strand, the complement: KMT2D is on the minus strand). VCF-style: chr12-49039867-G-A. GRCh37 (hg19) VCF-style: chr12-49433650-G-A.
Other names: c.7903C>T (NM_003482.3); short protein forms R2635*.
Identifiers: ClinVar variation 196692 (VCV000196692.11), dbSNP rs794727549, ClinGen allele CA275202.
Genomic context (GRCh38, chr12:49,039,867, plus strand): 5'-AGCTACCCATTCCAGTCCCTGGGTCTTCTCGCTTTTCGACAGGAGAGGTGATGCCTGATC[G>A]CTGTGAGGCTCCATGGGACAGGTAGGGGAGGGATCCGTCGGGTGCAGGTGGTGGCAGAAC-3'